The following is an entry in ClinVar:

ClinVar aggregate classification (germline): Uncertain significance (1 of 4 stars; one submission).

Conditions:
Anauxetic dysplasia. Identifiers: Orphanet 93347, MedGen C1846796, MONDO:0011773.

Allele frequency attached by ClinVar (database versions not stated): TOPMed 0.00001.
gnomAD v4.1: 1 of 688,222 alleles (0.00015%); highest among the groups gnomAD compares: Non-Finnish European, 0.00027%; no homozygotes.

Submission:

Labcorp Genetics (formerly Invitae), Labcorp
Classification: Uncertain significance for Anauxetic dysplasia. Last evaluated: 2022-04-18. Review status: criteria provided, single submitter. Criteria: Invitae Variant Classification Sherloc (09022015). Collection method: clinical testing. Allele origin: germline.
Comment: This variant occurs in the RMRP gene, which encodes an RNA molecule that does not result in a protein product. This variant is not present in population databases (gnomAD no frequency). This variant has not been reported in the literature in individuals affected with RMRP-related conditions. Experimental studies and prediction algorithms are not available or were not evaluated, and the functional significance of this variant is currently unknown. In summary, the available evidence is currently insufficient to determine the role of this variant in disease. Therefore, it has been classified as a Variant of Uncertain Significance.

NC_000009.12:g.35657761T>C

Gene: RMRP (RNA component of mitochondrial RNA processing endoribonuclease; minus strand). Cytogenetic location: 9p13.3.
Variant type: single nucleotide variant.
Genome position: GRCh38 VCF-style: chr9-35657761-T-C. GRCh37 (hg19) VCF-style: chr9-35657758-T-C.
Identifiers: ClinVar variation 2164290 (VCV002164290.1), dbSNP rs1177828515, ClinGen allele CA464450163.
Genomic context (GRCh38, chr9:35,657,761, plus strand): 5'-GAGCCCGGGGAGGTCGAGGCTGCAGTGAGCCGTGGTCTCGGGAACAAAAAACAGCCGCGC[T>C]GAGAATGAGCCCCGTGTGGTTGGTGCGCGGACACGCACTGCCTGCGTAACTAGAGGGAGC-3'